The following is an entry in ClinVar:

NM_001042492.3(NF1):c.6643-3T>A

Gene: NF1 (neurofibromin 1; plus strand). Cytogenetic location: 17q11.2.
Variant type: single nucleotide variant.
Coding change: c.6643-3T>A on transcript NM_001042492.3 (MANE Select); 3 bases into the intron before coding-DNA position 6643, T replaced by A.
Molecular consequence: intron variant.
Genome position (GRCh38, 1-based): chr17:31,337,816, T>A. VCF-style: chr17-31337816-T-A. GRCh37 (hg19) VCF-style: chr17-29664834-T-A.
Other names: c.6580-3T>A (NM_000267.4).
Identifiers: ClinVar variation 661717 (VCV000661717.8), dbSNP rs1326745383, ClinGen allele CA728013560.
Genomic context (GRCh38, chr17:31,337,816, plus strand): 5'-ATTATTTAAACAGTTCTAAAAACATTTATGTACAATATGTATTCAGAGTATCCCCTTTTT[T>A]AGGCATGCATGAGAGATATTCCAACGTGCAAGTGGCTGGACCAGTGGACAGAACTAGCTC-3'

ClinVar aggregate classification (germline): Conflicting classifications of pathogenicity. Review status: criteria provided, conflicting classifications (1 of 4 stars). 2 submissions from 2 submitters: Uncertain significance (1); Likely benign (1). Last evaluated 2025-10-01.

Conditions:
Hereditary cancer-predisposing syndrome. Also called: Neoplastic Syndromes, Hereditary; Hereditary neoplastic syndrome; Tumor predisposition; Hereditary Cancer Syndrome. Identifiers: Orphanet 140162, MedGen C0027672, MeSH D009386, MONDO:0015356.
Cardiovascular phenotype. Identifiers: MedGen CN230736.
Neurofibromatosis, type 1 (NF1). Also called: VON RECKLINGHAUSEN DISEASE; NEUROFIBROMATOSIS, TYPE I, SOMATIC; Peripheral type neurofibromatosis; Neurofibromatosis, type I. Identifiers: Orphanet 636, MedGen C0027831, MONDO:0018975, OMIM 162200. Disease mechanism: loss of function.

Allele frequency attached by ClinVar (database versions not stated): gnomAD exomes below 0.00001; TOPMed 0.00001.
gnomAD v4.1: 2 of 1,613,650 alleles (0.00012%); highest among the groups gnomAD compares: East Asian, 0.0022%; no homozygotes.

Submissions (2):

Labcorp Genetics (formerly Invitae), Labcorp
Classification: Likely benign for Neurofibromatosis, type 1. Last evaluated: 2025-10-01. Review status: criteria provided, single submitter. Criteria: Invitae Variant Classification Sherloc (09022015). Collection method: clinical testing. Allele origin: germline.

Ambry Genetics
Classification: Uncertain significance for Cardiovascular phenotype; Hereditary cancer-predisposing syndrome. Last evaluated: 2024-08-27. Review status: criteria provided, single submitter. Criteria: Ambry Variant Classification Scheme 2023. Collection method: clinical testing. Allele origin: germline.
Comment: The c.6580-3T>A intronic variant results from a T to A substitution 3 nucleotides upstream from coding exon 43 in the NF1 gene. This nucleotide position is not well conserved in available vertebrate species. In silico splice site analysis predicts that this alteration may result in the creation or strengthening of a novel splice acceptor site. Based on the available evidence, the clinical significance of this variant remains unclear.